The following is an entry in ClinVar:

ClinVar aggregate classification (germline): Uncertain significance (1 of 4 stars; one submission).

gnomAD v4.1: 5 of 1,613,160 alleles (0.00031%); highest among the groups gnomAD compares: Admixed American, 0.0067%; no homozygotes.

Submission:

Labcorp Genetics (formerly Invitae), Labcorp
Classification: Uncertain significance. Last evaluated: 2025-10-12. Review status: criteria provided, single submitter. Criteria: Invitae Variant Classification Sherloc (09022015). Collection method: clinical testing. Allele origin: germline.
Comment: This sequence change falls in intron 5 of the MAD2L2 gene. It does not directly change the encoded amino acid sequence of the MAD2L2 protein. It affects a nucleotide within the consensus splice site. This variant is present in population databases (rs374902398, gnomAD 0.007%). This variant has not been reported in the literature in individuals affected with MAD2L2-related conditions. ClinVar contains an entry for this variant (Variation ID: 3698807). Variants that disrupt the consensus splice site are a relatively common cause of aberrant splicing (PMID: 17576681, 9536098). Algorithms developed to predict the effect of sequence changes on RNA splicing suggest that this variant is not likely to affect RNA splicing. In summary, the available evidence is currently insufficient to determine the role of this variant in disease. Therefore, it has been classified as a Variant of Uncertain Significance.

Literature cited by the submitters: PubMed 17576681; PubMed 9536098.

NM_006341.4(MAD2L2):c.332+3G>A

Gene: MAD2L2 (mitotic arrest deficient 2 like 2; minus strand). Cytogenetic location: 1p36.22.
Variant type: single nucleotide variant.
Coding change: c.332+3G>A on transcript NM_006341.4 (MANE Select); 3 bases into the intron after coding-DNA position 332, G replaced by A.
Molecular consequence: intron variant.
Genome position (GRCh38, 1-based): chr1:11,676,845, C>T on the plus strand (G>A on the coding strand, the complement: MAD2L2 is on the minus strand). VCF-style: chr1-11676845-C-T. GRCh37 (hg19) VCF-style: chr1-11736902-C-T.
Other names: c.332+3G>A (NM_001127325.2).
Identifiers: ClinVar variation 3698807 (VCV003698807.2).